The following is an entry in ClinVar:

ClinVar aggregate classification (germline): Conflicting classifications of pathogenicity. Review status: criteria provided, conflicting classifications (1 of 4 stars). 7 submissions from 7 submitters: Uncertain significance (2); Benign (1); Likely benign (3). 1 of the submissions does not count toward it. Last evaluated 2026-01-14.

Conditions:
RMND1-related disorder. Also called: RMND1-related condition.
Combined oxidative phosphorylation defect type 11. Also called: ENCEPHALONEUROMYOPATHY, INFANTILE, DUE TO MITOCHONDRIAL TRANSLATION DEFECT; Combined oxidative phosphorylation deficiency 11. Identifiers: Orphanet 324535, MedGen C5190991, MONDO:0013969, OMIM 614922.

Allele frequency attached by ClinVar (database versions not stated): TOPMed 0.00067; ExAC 0.00076; ESP Exome Variant Server 0.00077; 1000 Genomes Project 0.00080; gnomAD exomes 0.00081; gnomAD 0.00088 and 0.00091; 1000 Genomes Project 30x 0.00125.
gnomAD v4.1: 1,015 of 1,581,150 alleles (0.064%); highest among the groups gnomAD compares: Middle Eastern, 0.78%; 3 homozygotes.

Submissions (7):

Labcorp Genetics (formerly Invitae), Labcorp
Classification: Benign. Last evaluated: 2026-01-14. Review status: criteria provided, single submitter. Criteria: Invitae Variant Classification Sherloc (09022015). Collection method: clinical testing. Allele origin: germline.

Blueprint Genetics
Classification: Likely benign. Last evaluated: 2024-11-20. Review status: criteria provided, single submitter. Criteria: ACMG Guidelines, 2015. Collection method: clinical testing. Allele origin: germline.

CeGaT Center for Human Genetics Tuebingen
Classification: Likely benign. Last evaluated: 2022-11-01. Review status: criteria provided, single submitter. Criteria: CeGaT Center For Human Genetics Tuebingen Variant Classification Criteria Version 2. Collection method: clinical testing. Allele origin: germline. Affected: yes. Observed: 1 variant allele.
Comment: RMND1: BP4

GeneDx
Classification: Likely benign. Last evaluated: 2020-12-22. Review status: criteria provided, single submitter. Criteria: GeneDx Variant Classification Process June 2021. Collection method: clinical testing. Allele origin: germline. Affected: yes.

Mayo Clinic Laboratories, Mayo Clinic
Classification: Uncertain significance. Last evaluated: 2019-05-06. Review status: criteria provided, single submitter. Criteria: ACMG Guidelines, 2015. Collection method: clinical testing. Allele origin: germline. Observed: 1 variant allele.

Baylor Genetics
Classification: Uncertain significance for Combined oxidative phosphorylation defect type 11. Last evaluated: 2019-03-28. Review status: criteria provided, single submitter. Criteria: ACMG Guidelines, 2015. Collection method: clinical testing. Allele origin: paternal. Affected: yes.
Comment: This variant was determined to be of uncertain significance according to ACMG Guidelines, 2015 [PMID:25741868].

PreventionGenetics, part of Exact Sciences
Classification: Likely benign for RMND1-related condition. Last evaluated: 2024-01-05. Review status: no assertion criteria provided. Collection method: clinical testing. Allele origin: germline. Not counted in ClinVar's aggregate classification.
Comment: This variant is classified as likely benign based on ACMG/AMP sequence variant interpretation guidelines (Richards et al. 2015 PMID: 25741868, with internal and published modifications).

NM_017909.4(RMND1):c.1085G>A (p.Arg362His)

Gene: RMND1 (required for meiotic nuclear division 1 homolog; minus strand). Cytogenetic location: 6q25.1.
Variant type: single nucleotide variant.
Coding change: c.1085G>A on transcript NM_017909.4 (MANE Select); coding-DNA position 1085, G replaced by A.
Protein change: p.Arg362His; replaces arginine 362 with histidine.
Molecular consequence: missense variant.
Genome position (GRCh38, 1-based): chr6:151,417,394, C>T on the plus strand (G>A on the coding strand, the complement: RMND1 is on the minus strand). VCF-style: chr6-151417394-C-T. GRCh37 (hg19) VCF-style: chr6-151738529-C-T.
Other names: c.575G>A, p.Arg192His (NM_001271937.2); short protein forms R362H, R192H.
Identifiers: ClinVar variation 440932 (VCV000440932.45), dbSNP rs142588921, ClinGen allele CA4050801.